The following is an entry in ClinVar:

ClinVar aggregate classification (germline): Uncertain significance (1 of 4 stars; one submission).

Conditions:
Hereditary cancer-predisposing syndrome. Also called: Neoplastic Syndromes, Hereditary; Tumor predisposition; Hereditary neoplastic syndrome; Hereditary Cancer Syndrome. Identifiers: Orphanet 140162, MedGen C0027672, MeSH D009386, MONDO:0015356.

Submission:

Ambry Genetics
Classification: Uncertain significance for Hereditary cancer-predisposing syndrome. Last evaluated: 2026-07-07. Review status: criteria provided, single submitter. Criteria: Ambry Variant Classification Scheme 2023. Collection method: clinical testing. Allele origin: germline.
Comment: The p.K219Q variant (also known as c.655A>C), located in coding exon 1 of the AXIN2 gene, results from an A to C substitution at nucleotide position 655. The lysine at codon 219 is replaced by glutamine, an amino acid with similar properties. This amino acid position is conserved. In addition, the in silico prediction for this alteration is inconclusive. Based on the available evidence, the clinical significance of this variant remains unclear.

NM_004655.4(AXIN2):c.655A>C (p.Lys219Gln)

Gene: AXIN2 (axin 2; minus strand). Cytogenetic location: 17q24.1.
Variant type: single nucleotide variant.
Coding change: c.655A>C on transcript NM_004655.4 (MANE Select); coding-DNA position 655, A replaced by C.
Protein change: p.Lys219Gln; replaces lysine 219 with glutamine.
Molecular consequence: missense variant.
Genome position (GRCh38, 1-based): chr17:65,557,966, T>G on the plus strand (A>C on the coding strand, the complement: AXIN2 is on the minus strand). VCF-style: chr17-65557966-T-G. GRCh37 (hg19) VCF-style: chr17-63554084-T-G.
Other names: c.655A>C, p.Lys219Gln (NM_001363813.1); short protein forms K219Q.
Identifiers: ClinVar variation 5032614 (VCV005032614.1).